The following is an entry in ClinVar:

ClinVar aggregate classification (germline): Benign/Likely benign. Review status: criteria provided, multiple submitters, no conflicts (2 of 4 stars). 12 submissions from 11 submitters: Benign (3); Likely benign (9). Last evaluated 2026-05-28.

Conditions:
Inborn genetic diseases. Identifiers: MedGen C0950123, MeSH D030342.
Neuronopathy, distal hereditary motor, type 2A. Also called: NEURONOPATHY, DISTAL HEREDITARY MOTOR, AUTOSOMAL DOMINANT 2; NEURONOPATHY, DISTAL HEREDITARY MOTOR, HARDING TYPE IIA; NEUROPATHY, DISTAL HEREDITARY MOTOR, HARDING TYPE IIA; SPINAL MUSCULAR ATROPHY, DISTAL, ADULT, AUTOSOMAL DOMINANT, HARDING TYPE IIA; HMN IIA; CHARCOT-MARIE-TOOTH DISEASE, SPINAL, IIA. Identifiers: Orphanet 139525, MedGen C1834692, MONDO:0008025, OMIM 158590.
HSPB8-related disorder. Also called: HSPB8-related condition.
Charcot-Marie-Tooth disease axonal type 2L. Also called: Charcot-Marie-Tooth Neuropathy Type 2L; CHARCOT-MARIE-TOOTH DISEASE, AXONAL, AUTOSOMAL DOMINANT, TYPE 2L; CHARCOT-MARIE-TOOTH NEUROPATHY, AXONAL, TYPE 2L. Identifiers: Orphanet 99945, MedGen C1837552, MONDO:0012096, OMIM 608673.

Allele frequency attached by ClinVar (database versions not stated): 1000 Genomes Project 30x 0.00016; 1000 Genomes Project 0.00020; TOPMed 0.00049; gnomAD 0.00055 and 0.00058; ESP Exome Variant Server 0.00062; gnomAD exomes 0.00064 and 0.00085; ExAC 0.00070.
gnomAD v4.1: 1,317 of 1,613,678 alleles (0.082%); highest among the groups gnomAD compares: Non-Finnish European, 0.1%; 1 homozygote.

Submissions (12):

Women's Health and Genetics/Laboratory Corporation of America, LabCorp
Classification: Likely benign. Last evaluated: 2026-05-28. Review status: criteria provided, single submitter. Criteria: LabCorp Variant Classification Summary - May 2015. Collection method: clinical testing. Allele origin: germline.

Labcorp Genetics (formerly Invitae), Labcorp
Classification: Likely benign for Charcot-Marie-Tooth disease axonal type 2L. Last evaluated: 2026-01-27. Review status: criteria provided, single submitter. Criteria: Invitae Variant Classification Sherloc (09022015). Collection method: clinical testing. Allele origin: germline.

PreventionGenetics, part of Exact Sciences
Classification: Likely benign for HSPB8-related condition. Last evaluated: 2025-04-27. Review status: criteria provided, single submitter. Criteria: ACMG Guidelines, 2015. Collection method: clinical testing. Allele origin: germline.
Comment: This variant is classified as likely benign based on ACMG/AMP sequence variant interpretation guidelines (Richards et al. 2015 PMID: 25741868, with internal and published modifications).

Laboratory of Genetics, Children's Clinical University Hospital Latvia
Classification: Likely benign. Last evaluated: 2025-02-16. Review status: criteria provided, single submitter. Criteria: ACMG Guidelines, 2015. Collection method: clinical testing. Allele origin: germline. Affected: yes.

Blueprint Genetics
Classification: Likely benign. Last evaluated: 2024-09-23. Review status: criteria provided, single submitter. Criteria: ACMG Guidelines, 2015. Collection method: clinical testing. Allele origin: germline.

Athena Diagnostics
Classification: Benign. Last evaluated: 2024-08-06. Review status: criteria provided, single submitter. Criteria: Athena Diagnostics Criteria. Collection method: clinical testing. Allele origin: unknown.

Mayo Clinic Laboratories, Mayo Clinic
Classification: Benign. Last evaluated: 2024-06-24. Review status: criteria provided, single submitter. Criteria: ACMG Guidelines, 2015. Collection method: clinical testing. Allele origin: germline. Observed: 4 variant alleles.
Comment: BS1, BS2

CeGaT Center for Human Genetics Tuebingen
Classification: Likely benign. Last evaluated: 2024-06-01. Review status: criteria provided, single submitter. Criteria: CeGaT Center For Human Genetics Tuebingen Variant Classification Criteria Version 2. Collection method: clinical testing. Allele origin: germline. Affected: yes. Observed: 4 variant alleles.
Comment: HSPB8: BS1

Ambry Genetics
Classification: Likely benign for Inborn genetic diseases. Last evaluated: 2019-09-20. Review status: criteria provided, single submitter. Criteria: Ambry Variant Classification Scheme 2023. Collection method: clinical testing. Allele origin: germline.

GeneDx
Classification: Likely benign. Last evaluated: 2019-08-09. Review status: criteria provided, single submitter. Criteria: GeneDx Variant Classification Process June 2021. Collection method: clinical testing. Allele origin: germline. Affected: yes.
Comment: This variant is associated with the following publications: (PMID: 24717127)

Illumina Laboratory Services, Illumina
Classification: Likely benign for Charcot-Marie-Tooth disease axonal type 2L. Last evaluated: 2017-09-19. Review status: criteria provided, single submitter. Criteria: ICSL Variant Classification Criteria 13 December 2019. Collection method: clinical testing. Allele origin: germline.
Comment: This variant was observed as part of a predisposition screen in an ostensibly healthy population. A literature search was performed for the gene, cDNA change, and amino acid change (where applicable). No publications were found based on this search. Allele frequency data from public databases allowed determination this variant is unlikely to cause disease. Therefore, this variant is classified as likely benign.

Illumina Laboratory Services, Illumina
Classification: Benign for Neuronopathy, distal hereditary motor, type 2A. Last evaluated: 2017-09-19. Review status: criteria provided, single submitter. Criteria: ICSL Variant Classification Criteria 13 December 2019. Collection method: clinical testing. Allele origin: germline.
Comment: This variant was observed as part of a predisposition screen in an ostensibly healthy population. A literature search was performed for the gene, cDNA change, and amino acid change (where applicable). No publications were found based on this search. Allele frequency data from public databases was too high to be consistent with this variant causing disease. Therefore, this variant is classified as benign.

Literature cited by the submitters: PubMed 17344846 (cited by Athena Diagnostics).

NM_014365.3(HSPB8):c.233G>T (p.Arg78Met)

Gene: HSPB8 (heat shock protein family B (small) member 8; plus strand). Cytogenetic location: 12q24.23.
Variant type: single nucleotide variant.
Coding change: c.233G>T on transcript NM_014365.3 (MANE Select); coding-DNA position 233, G replaced by T.
Protein change: p.Arg78Met; replaces arginine 78 with methionine.
Molecular consequence: missense variant.
Genome position (GRCh38, 1-based): chr12:119,179,545, G>T. VCF-style: chr12-119179545-G-T. GRCh37 (hg19) VCF-style: chr12-119617350-G-T.
Other names: p.Arg78Met; short protein forms R78M.
Identifiers: ClinVar variation 380971 (VCV000380971.55), dbSNP rs55826713, ClinGen allele CA6819525.